The following is an entry in ClinVar:

NM_003336.4(UBE2A):c.134G>A (p.Gly45Glu)

Gene: UBE2A (ubiquitin conjugating enzyme E2 A; plus strand). Cytogenetic location: Xq24.
Variant type: single nucleotide variant.
Coding change: c.134G>A on transcript NM_003336.4 (MANE Select); coding-DNA position 134, G replaced by A.
Protein change: p.Gly45Glu; replaces glycine 45 with glutamic acid.
Molecular consequence: missense variant.
Genome position (GRCh38, 1-based): chrX:119,575,383, G>A. VCF-style: chrX-119575383-G-A. GRCh37 (hg19) VCF-style: chrX-118709346-G-A.
Other names: c.35G>A, p.Gly12Glu (NM_001282161.2); c.134G>A, p.Gly45Glu (NM_181762.3); short protein forms G12E, G45E.
Identifiers: ClinVar variation 5001241 (VCV005001241.1).

ClinVar aggregate classification (germline): Uncertain significance (1 of 4 stars; one submission).

Conditions:
UBE2A-related disorder. Also called: UBE2A-related condition.

Submission:

PreventionGenetics, part of Exact Sciences
Classification: Uncertain significance for UBE2A-related condition. Last evaluated: 2025-03-13. Review status: criteria provided, single submitter. Criteria: ACMG Guidelines, 2015. Collection method: clinical testing. Allele origin: germline.
Comment: The UBE2A c.134G>A variant is predicted to result in the amino acid substitution p.Gly45Glu. To our knowledge, this variant has not been reported in the literature or in a large population database (gnomAD), indicating this variant is rare. At this time, the clinical significance of this variant is uncertain due to the absence of conclusive functional and genetic evidence.